The following is an entry in ClinVar:

NM_001365902.3(NFIX):c.347G>C (p.Arg116Pro)

Gene: NFIX (nuclear factor I X; plus strand). Cytogenetic location: 19p13.13.
Variant type: single nucleotide variant.
Coding change: c.347G>C on transcript NM_001365902.3 (MANE Select); coding-DNA position 347, G replaced by C.
Protein change: p.Arg116Pro; replaces arginine 116 with proline.
Molecular consequence: missense variant.
Genome position (GRCh38, 1-based): chr19:13,025,340, G>C. VCF-style: chr19-13025340-G-C. GRCh37 (hg19) VCF-style: chr19-13136154-G-C.
Other names: c.371G>C, p.Arg124Pro (NM_001271043.2); c.323G>C, p.Arg108Pro (NM_001271044.3, NM_001378404.1); c.347G>C, p.Arg116Pro (NM_001365982.2, NM_002501.4); c.206G>C, p.Arg69Pro (NM_001365983.2); c.344G>C, p.Arg115Pro (NM_001365984.2, NM_001365985.2); c.395G>C, p.Arg132Pro (NM_001378405.1); short protein forms R108P, R115P, R116P, R124P, R132P, R69P.
Identifiers: ClinVar variation 2575650 (VCV002575650.1), dbSNP rs2145192570, ClinGen allele CA404314518.

ClinVar aggregate classification (germline): Pathogenic (1 of 4 stars; one submission).

Submission:

GeneDx
Classification: Pathogenic. Last evaluated: 2023-02-13. Review status: criteria provided, single submitter. Criteria: GeneDx Variant Classification Process June 2021. Collection method: clinical testing. Allele origin: germline. Affected: yes.
Comment: Not observed at significant frequency in large population cohorts (gnomAD); In silico analysis supports that this missense variant has a deleterious effect on protein structure/function; This variant is associated with the following publications: (PMID: 29897170, 26193383, 28475857)